The following is an entry in ClinVar:

ClinVar aggregate classification (germline): Uncertain significance. Review status: criteria provided, multiple submitters, no conflicts (2 of 4 stars). 2 submissions from 2 submitters: Uncertain significance (2). Last evaluated 2021-10-31.

Conditions:
Hereditary cancer-predisposing syndrome. Also called: Tumor predisposition; Hereditary neoplastic syndrome; Neoplastic Syndromes, Hereditary; Hereditary Cancer Syndrome. Identifiers: Orphanet 140162, MedGen C0027672, MeSH D009386, MONDO:0015356.

Allele frequency attached by ClinVar (database versions not stated): gnomAD exomes below 0.00001.

Submissions (2):

Ambry Genetics
Classification: Uncertain significance for Hereditary cancer-predisposing syndrome. Last evaluated: 2021-10-31. Review status: criteria provided, single submitter. Criteria: Ambry Variant Classification Scheme 2023. Collection method: clinical testing. Allele origin: germline.
Comment: The p.M144R variant (also known as c.431T>G), located in coding exon 3 of the CTNNA1 gene, results from a T to G substitution at nucleotide position 431. The methionine at codon 144 is replaced by arginine, an amino acid with similar properties. This amino acid position is conserved. In addition, this alteration is predicted to be deleterious by in silico analysis. Since supporting evidence is limited at this time, the clinical significance of this alteration remains unclear.

Labcorp Genetics (formerly Invitae), Labcorp
Classification: Uncertain significance. Last evaluated: 2021-04-11. Review status: criteria provided, single submitter. Criteria: Invitae Variant Classification Sherloc (09022015). Collection method: clinical testing. Allele origin: germline.
Comment: Algorithms developed to predict the effect of sequence changes on RNA splicing suggest that this variant may create or strengthen a splice site, but this prediction has not been confirmed by published transcriptional studies. Algorithms developed to predict the effect of missense changes on protein structure and function are either unavailable or do not agree on the potential impact of this missense change (SIFT: "Deleterious"; PolyPhen-2: "Possibly Damaging"; Align-GVGD: "Class C0"). This variant has not been reported in the literature in individuals with CTNNA1-related conditions. This variant is not present in population databases (ExAC no frequency). This sequence change replaces methionine with arginine at codon 144 of the CTNNA1 protein (p.Met144Arg). The methionine residue is highly conserved and there is a moderate physicochemical difference between methionine and arginine. In summary, the available evidence is currently insufficient to determine the role of this variant in disease. Therefore, it has been classified as a Variant of Uncertain Significance.

NM_001903.5(CTNNA1):c.431T>G (p.Met144Arg)

Gene: CTNNA1 (catenin alpha 1; plus strand). Cytogenetic location: 5q31.2.
Variant type: single nucleotide variant.
Coding change: c.431T>G on transcript NM_001903.5 (MANE Select); coding-DNA position 431, T replaced by G.
Protein change: p.Met144Arg; replaces methionine 144 with arginine.
Molecular consequence: missense variant.
Genome position (GRCh38, 1-based): chr5:138,810,167, T>G. VCF-style: chr5-138810167-T-G. GRCh37 (hg19) VCF-style: chr5-138145856-T-G.
Other names: c.431T>G, p.Met144Arg (NM_001290307.3, NM_001323982.2, NM_001323983.1 and 3 more transcripts); c.122T>G, p.Met41Arg (NM_001290309.3); c.62T>G, p.Met21Arg (NM_001290310.3); short protein forms M21R, M41R, M144R.
Identifiers: ClinVar variation 1359511 (VCV001359511.10), dbSNP rs1290591351, ClinGen allele CA361123475.